The following is an entry in ClinVar:

NM_000260.4(MYO7A):c.1200+1G>A

Gene: MYO7A (myosin VIIA; plus strand). Cytogenetic location: 11q13.5.
Variant type: single nucleotide variant.
Coding change: c.1200+1G>A on transcript NM_000260.4 (MANE Select); the canonical splice donor site of the intron after coding-DNA position 1200, G replaced by A.
Molecular consequence: splice donor variant.
Genome position (GRCh38, 1-based): chr11:77,160,283, G>A. VCF-style: chr11-77160283-G-A. GRCh37 (hg19) VCF-style: chr11-76871329-G-A.
Other names: c.1167+1G>A (NM_001369365.1); c.1200+1G>A (NM_001127180.2).
Identifiers: ClinVar variation 43138 (VCV000043138.13), dbSNP rs397516283, ClinGen allele CA278621.
Genomic context (GRCh38, chr11:77,160,283, plus strand): 5'-ACGGTGTCCACCCCACTGAGCAGGGAACAGGCACTGGACGTGCGCGACGCCTTCGTAAAG[G>A]TGGGCTGGAGGGAAGGGGCCGCTTGCTCGCCCTACCCCTTGGGAAGTTGGGCTCTTGATG-3'

ClinVar aggregate classification (germline): Pathogenic/Likely pathogenic. Review status: criteria provided, multiple submitters, no conflicts (2 of 4 stars). 4 submissions from 4 submitters: Pathogenic (1); Likely pathogenic (2). 1 of the submissions does not count toward it. Last evaluated 2024-05-03.

Conditions:
Rare genetic deafness. Identifiers: Orphanet 96210, MedGen C5680250.
Usher syndrome type 1 (USH1). Also called: RETINITIS PIGMENTOSA AND CONGENITAL DEAFNESS. Identifiers: Orphanet 231169, Orphanet 886, MedGen C1568247, MONDO:0010168, OMIM 276900.
Autosomal recessive nonsyndromic hearing loss 2. Also called: DEAFNESS, AUTOSOMAL RECESSIVE 2; NEUROSENSORY NONSYNDROMIC RECESSIVE DEAFNESS 2. Identifiers: Orphanet 90636, MedGen C1838701, MONDO:0010807, OMIM 600060.
Autosomal dominant nonsyndromic hearing loss 11. Identifiers: Orphanet 90635, MedGen C1832475, MONDO:0011032, OMIM 601317.

Submissions (4):

Fulgent Genetics
Classification: Likely pathogenic for Usher syndrome type 1; Autosomal recessive nonsyndromic hearing loss 2; Autosomal dominant nonsyndromic hearing loss 11. Last evaluated: 2024-05-03. Review status: criteria provided, single submitter. Criteria: ACMG Guidelines, 2015. Collection method: clinical testing. Allele origin: germline.

Labcorp Genetics (formerly Invitae), Labcorp
Classification: Likely pathogenic. Last evaluated: 2021-07-26. Review status: criteria provided, single submitter. Criteria: Invitae Variant Classification Sherloc (09022015). Collection method: clinical testing. Allele origin: germline.
Comment: In summary, the currently available evidence indicates that the variant is pathogenic, but additional data are needed to prove that conclusively. Therefore, this variant has been classified as Likely Pathogenic. Algorithms developed to predict the effect of sequence changes on RNA splicing suggest that this variant may disrupt the consensus splice site. ClinVar contains an entry for this variant (Variation ID: 43138). This variant has not been reported in the literature in individuals affected with MYO7A-related conditions. This variant is not present in population databases (ExAC no frequency). This sequence change affects a donor splice site in intron 11 of the MYO7A gene. It is expected to disrupt RNA splicing. Variants that disrupt the donor or acceptor splice site typically lead to a loss of protein function (PMID: 16199547), and loss-of-function variants in MYO7A are known to be pathogenic (PMID: 8900236, 25404053).

Laboratory for Molecular Medicine, Mass General Brigham Personalized Medicine
Classification: Pathogenic for Rare genetic deafness. Last evaluated: 2010-08-17. Review status: criteria provided, single submitter. Criteria: LMM Criteria. Collection method: clinical testing. Allele origin: germline. Observed: 2 variant alleles.
Comment: The 1200+1G>A variant in MYO7A has not been reported in the literature nor previ ously identified by our laboratory. The 1200+1G>A variant is predicted to cause abnormal splicing because the nucleotide substitution occurs in the invariant re gion of the splice consensus sequence. Therefore, this variant meets our criteri a to be classified as pathogenic.

Counsyl
Classification: Likely pathogenic for Usher syndrome type 1; Autosomal recessive nonsyndromic hearing loss 2. Last evaluated: 2018-01-23. Review status: no assertion criteria provided. Collection method: clinical testing. Allele origin: unknown. Not counted in ClinVar's aggregate classification.

Literature cited by the submitters: PubMed 16199547 (cited by Labcorp Genetics (formerly Invitae), Labcorp); PubMed 8900236 (cited by Labcorp Genetics (formerly Invitae), Labcorp); PubMed 25404053 (cited by Labcorp Genetics (formerly Invitae), Labcorp).